The following is an entry in ClinVar:

ClinVar aggregate classification (germline): Uncertain significance (1 of 4 stars; one submission).

Conditions:
Dilated cardiomyopathy 1W (CMD1W). Identifiers: Orphanet 154, MedGen C1969639, MONDO:0012667, OMIM 611407.

Allele frequency attached by ClinVar (database versions not stated): gnomAD exomes 0.00001.
gnomAD v4.1: 3 of 1,614,192 alleles (0.00019%); highest among the groups gnomAD compares: Non-Finnish European, 0.00025%; no homozygotes.

Submission:

Labcorp Genetics (formerly Invitae), Labcorp
Classification: Uncertain significance for Dilated cardiomyopathy 1W. Last evaluated: 2024-10-28. Review status: criteria provided, single submitter. Criteria: Invitae Variant Classification Sherloc (09022015). Collection method: clinical testing. Allele origin: germline.
Comment: This sequence change affects a donor splice site in intron 19 of the VCL gene. It is expected to disrupt RNA splicing. Variants that disrupt the donor or acceptor splice site typically lead to a loss of protein function (PMID: 16199547), however the current clinical and genetic evidence is not sufficient to establish whether loss-of-function variants in VCL cause disease. This variant is not present in population databases (gnomAD no frequency). This variant has not been reported in the literature in individuals affected with VCL-related conditions. ClinVar contains an entry for this variant (Variation ID: 946031). Algorithms developed to predict the effect of sequence changes on RNA splicing suggest that this variant may disrupt the consensus splice site. In summary, the available evidence is currently insufficient to determine the role of this variant in disease. Therefore, it has been classified as a Variant of Uncertain Significance.

Literature cited by the submitters: PubMed 16199547.

NM_014000.3(VCL):c.2949+1G>A

Gene: VCL (vinculin; plus strand). Cytogenetic location: 10q22.2.
Variant type: single nucleotide variant.
Coding change: c.2949+1G>A on transcript NM_014000.3 (MANE Select); the canonical splice donor site of the intron after coding-DNA position 2949, G replaced by A.
Molecular consequence: splice donor variant. On other transcripts: intron variant (1).
Genome position (GRCh38, 1-based): chr10:74,112,113, G>A. VCF-style: chr10-74112113-G-A. GRCh37 (hg19) VCF-style: chr10-75871871-G-A.
Other names: c.2746-2071G>A (NM_003373.4).
Identifiers: ClinVar variation 946031 (VCV000946031.8), dbSNP rs1840234341, ClinGen allele CA377264965.
Genomic context (GRCh38, chr10:74,112,113, plus strand): 5'-CAGCCCATTCTGGCCGCGGCTCAGTCCTTGCATCGGGAAGCTACCAAGTGGTCTAGTAAG[G>A]TACTGATAAGCACCCCCAGTTGGGGGCTGCTCCATATGCATCCGGCCATGTGCAGCCTTG-3'